The following is an entry in ClinVar:

ClinVar aggregate classification (germline): Uncertain significance (1 of 4 stars; one submission).

Conditions:
Hereditary cancer-predisposing syndrome. Also called: Neoplastic Syndromes, Hereditary; Hereditary Cancer Syndrome; Tumor predisposition; Hereditary neoplastic syndrome. Identifiers: Orphanet 140162, MedGen C0027672, MeSH D009386, MONDO:0015356.

Submission:

Ambry Genetics
Classification: Uncertain significance for Hereditary cancer-predisposing syndrome. Last evaluated: 2022-12-05. Review status: criteria provided, single submitter. Criteria: Ambry Variant Classification Scheme 2023. Collection method: clinical testing. Allele origin: germline.
Comment: The p.F148V variant (also known as c.442T>G), located in coding exon 3 of the RAD51C gene, results from a T to G substitution at nucleotide position 442. The phenylalanine at codon 148 is replaced by valine, an amino acid with highly similar properties. This amino acid position is conserved. In addition, the in silico prediction for this alteration is inconclusive. Since supporting evidence is limited at this time, the clinical significance of this alteration remains unclear.

NM_058216.3(RAD51C):c.442T>G (p.Phe148Val)

Gene: RAD51C (RAD51 paralog C; plus strand). Cytogenetic location: 17q22.
Variant type: single nucleotide variant.
Coding change: c.442T>G on transcript NM_058216.3 (MANE Select); coding-DNA position 442, T replaced by G.
Protein change: p.Phe148Val; replaces phenylalanine 148 with valine.
Molecular consequence: missense variant.
Genome position (GRCh38, 1-based): chr17:58,696,730, T>G. VCF-style: chr17-58696730-T-G. GRCh37 (hg19) VCF-style: chr17-56774091-T-G.
Other names: short protein forms F148V.
Identifiers: ClinVar variation 2447774 (VCV002447774.2), dbSNP rs2509281562, ClinGen allele CA400344281.
Genomic context (GRCh38, chr17:58,696,730, plus strand): 5'-GTTTGTCATCTTTCTGTTGACAGTATGCAGTTGGCAGTAGATGTGCAGATACCAGAATGT[T>G]TTGGAGGAGTGGCAGGTGAAGCAGTTTTTATTGATACAGAGGGAAGTTTTATGGTTGATA-3'
Protein context (NP_478123.1, residues 138-158): LAVDVQIPEC[Phe148Val]GGVAGEAVFI